The following is an entry in ClinVar:

ClinVar aggregate classification (germline): Uncertain significance (1 of 4 stars; one submission).

Submission:

CeGaT Center for Human Genetics Tuebingen
Classification: Uncertain significance. Last evaluated: 2024-11-01. Review status: criteria provided, single submitter. Criteria: CeGaT Center For Human Genetics Tuebingen Variant Classification Criteria Version 2. Collection method: clinical testing. Allele origin: germline. Affected: yes. Observed: 1 variant allele.
Comment: FANCM: PM2

NM_020937.4(FANCM):c.1618C>G (p.Leu540Val)

Gene: FANCM (FA complementation group M; plus strand). Cytogenetic location: 14q21.2.
Variant type: single nucleotide variant.
Coding change: c.1618C>G on transcript NM_020937.4 (MANE Select); coding-DNA position 1618, C replaced by G.
Protein change: p.Leu540Val; replaces leucine 540 with valine.
Molecular consequence: missense variant.
Genome position (GRCh38, 1-based): chr14:45,164,395, C>G. VCF-style: chr14-45164395-C-G. GRCh37 (hg19) VCF-style: chr14-45633598-C-G.
Other names: c.1540C>G, p.Leu514Val (NM_001308133.2); c.1618C>G, p.Leu540Val (NM_001308134.2); short protein forms L514V, L540V.
Identifiers: ClinVar variation 3389377 (VCV003389377.14).
Genomic context (GRCh38, chr14:45,164,395, plus strand): 5'-ATTTTTCAATTGTTTTTATTTTAGGTAGTGAAACAGTTTCGTGACGGTGGTTACAACACG[C>G]TGGTTTCTACCTGTGTGGGTGAAGAAGGTTTGGATATAGGAGAAGTTGATCTTATAATAT-3'
Protein context (NP_065988.1, residues 530-550): KQFRDGGYNT[Leu540Val]VSTCVGEEGL